The following is an entry in ClinVar:

ClinVar aggregate classification (germline): Uncertain significance (1 of 4 stars; one submission).

Conditions:
Hereditary spastic paraplegia. Also called: Familial spastic paraparesis. Identifiers: Orphanet 685, MedGen C0037773, MONDO:0019064. Disease mechanism: loss of function.

Allele frequency attached by ClinVar (database versions not stated): gnomAD 0.00001; TOPMed 0.00002; ExAC 0.00003.
gnomAD v4.1: 10 of 1,598,442 alleles (0.00063%); highest among the groups gnomAD compares: Admixed American, 0.014%; no homozygotes.

Submission:

Labcorp Genetics (formerly Invitae), Labcorp
Classification: Uncertain significance for Hereditary spastic paraplegia. Last evaluated: 2024-03-04. Review status: criteria provided, single submitter. Criteria: Invitae Variant Classification Sherloc (09022015). Collection method: clinical testing. Allele origin: germline.
Comment: This sequence change replaces threonine, which is neutral and polar, with serine, which is neutral and polar, at codon 177 of the USP8 protein (p.Thr177Ser). This variant is present in population databases (rs748219940, gnomAD 0.01%). This variant has not been reported in the literature in individuals affected with USP8-related conditions. An algorithm developed to predict the effect of missense changes on protein structure and function (PolyPhen-2) suggests that this variant is likely to be tolerated. In summary, the available evidence is currently insufficient to determine the role of this variant in disease. Therefore, it has been classified as a Variant of Uncertain Significance.

NM_005154.5(USP8):c.530C>G (p.Thr177Ser)

Gene: USP8 (ubiquitin specific peptidase 8; plus strand). Cytogenetic location: 15q21.2.
Variant type: single nucleotide variant.
Coding change: c.530C>G on transcript NM_005154.5 (MANE Select); coding-DNA position 530, C replaced by G.
Protein change: p.Thr177Ser; replaces threonine 177 with serine.
Molecular consequence: missense variant.
Genome position (GRCh38, 1-based): chr15:50,462,311, C>G. VCF-style: chr15-50462311-C-G. GRCh37 (hg19) VCF-style: chr15-50754508-C-G.
Other names: c.530C>G, p.Thr177Ser (NM_001128610.3); c.299C>G, p.Thr100Ser (NM_001283049.2); short protein forms T177S, T100S.
Identifiers: ClinVar variation 2722157 (VCV002722157.3), dbSNP rs748219940, ClinGen allele CA7555495.